The following is an entry in ClinVar:

NC_000003.12:g.14142645G>A

Gene: TMEM43 (transmembrane protein 43; plus strand). Cytogenetic location: 3p25.1.
Variant type: single nucleotide variant.
Genome position: GRCh38 VCF-style: chr3-14142645-G-A. GRCh37 (hg19) VCF-style: chr3-14184145-G-A.
Other names: c.*850G>A (LRG_435t1).
Identifiers: ClinVar variation 2653579 (VCV002653579.24), dbSNP rs145011666, ClinGen allele CA10617462.
Genomic context (GRCh38, chr3:14,142,645, plus strand): 5'-TTCAGACTGTTACAGGAAACACCCTTTAGTCTGTCAGTTGAATTCAGAGCACTGAAAGGT[G>A]TTAAATTGGGGTATGTGGTTTGATTGATAAAAAGTTACCTCTCAGTATTTTGTGTCACTG-3'

ClinVar aggregate classification (germline): Benign (1 of 4 stars; one submission).

Allele frequency attached by ClinVar (database versions not stated): gnomAD 0.00071 and 0.00083; TOPMed 0.00074 and 0.00078; 1000 Genomes Project 30x 0.00078; 1000 Genomes Project 0.00080.

Submission:

CeGaT Center for Human Genetics Tuebingen
Classification: Benign. Last evaluated: 2022-11-01. Review status: criteria provided, single submitter. Criteria: CeGaT Center For Human Genetics Tuebingen Variant Classification Criteria Version 2. Collection method: clinical testing. Allele origin: germline. Affected: yes. Observed: 1 variant allele.
Comment: TMEM43: BS1, BS2